The following is an entry in ClinVar:

ClinVar aggregate classification (germline): Uncertain significance. Review status: criteria provided, multiple submitters, no conflicts (2 of 4 stars). 2 submissions from 2 submitters: Uncertain significance (2). Last evaluated 2025-06-24.

Allele frequency attached by ClinVar (database versions not stated): gnomAD exomes 0.00002 and 0.00004; ExAC 0.00003; TOPMed 0.00003; gnomAD 0.00004; ESP Exome Variant Server 0.00008.
gnomAD v4.1: 65 of 1,609,544 alleles (0.004%); highest among the groups gnomAD compares: Non-Finnish European, 0.0054%; no homozygotes.

Submissions (2):

Ambry Genetics
Classification: Uncertain significance. Last evaluated: 2025-06-24. Review status: criteria provided, single submitter. Criteria: Ambry Variant Classification Scheme 2023. Collection method: clinical testing. Allele origin: germline.

GeneDx
Classification: Uncertain significance. Last evaluated: 2023-09-19. Review status: criteria provided, single submitter. Criteria: GeneDx Variant Classification Process June 2021. Collection method: clinical testing. Allele origin: germline. Affected: yes.
Comment: In silico analysis supports that this missense variant does not alter protein structure/function; Has not been previously published as pathogenic or benign to our knowledge

NM_001384125.1(BLTP1):c.11158T>A (p.Ser3720Thr)

Gene: BLTP1 (bridge-like lipid transfer protein family member 1; plus strand). Cytogenetic location: 4q27.
Variant type: single nucleotide variant.
Coding change: c.11158T>A on transcript NM_001384125.1 (MANE Select); coding-DNA position 11158, T replaced by A.
Protein change: p.Ser3720Thr; replaces serine 3720 with threonine.
Molecular consequence: missense variant.
Genome position (GRCh38, 1-based): chr4:122,325,282, T>A. VCF-style: chr4-122325282-T-A. GRCh37 (hg19) VCF-style: chr4-123246437-T-A.
Other names: c.10957T>A, p.Ser3653Thr (NM_015312.4); short protein forms S3653T, S3720T.
Identifiers: ClinVar variation 1315463 (VCV001315463.5), dbSNP rs370015582, ClinGen allele CA3067681.